The following is an entry in ClinVar:

NM_001378120.1(MBD5):c.4922A>T (p.Asp1641Val)

Gene: MBD5 (methyl-CpG binding domain protein 5; plus strand). Cytogenetic location: 2q23.1.
Variant type: single nucleotide variant.
Coding change: c.4922A>T on transcript NM_001378120.1 (MANE Select); coding-DNA position 4922, A replaced by T.
Protein change: p.Asp1641Val; replaces aspartic acid 1641 with valine.
Molecular consequence: missense variant.
Genome position (GRCh38, 1-based): chr2:148,490,554, A>T. VCF-style: chr2-148490554-A-T. GRCh37 (hg19) VCF-style: chr2-149248123-A-T.
Other names: c.4223A>T, p.Asp1408Val (NM_018328.5); short protein forms D1408V, D1641V.
Identifiers: ClinVar variation 3344549 (VCV003344549.1).

ClinVar aggregate classification (germline): Uncertain significance (0 of 4 stars; one submission).

Conditions:
MBD5-related disorder. Also called: MBD5-related condition.

gnomAD v4.1: 1 of 1,614,214 alleles (0.000062%); highest among the groups gnomAD compares: Admixed American, 0.0017%; no homozygotes.

Submission:

PreventionGenetics, part of Exact Sciences
Classification: Uncertain significance for MBD5-related condition. Last evaluated: 2024-09-06. Review status: no assertion criteria provided. Collection method: clinical testing. Allele origin: germline.
Comment: The MBD5 c.4223A>T variant is predicted to result in the amino acid substitution p.Asp1408Val. To our knowledge, this variant has not been reported in the literature. This variant is reported in 0.0029% of alleles in individuals of Latino descent in gnomAD. At this time, the clinical significance of this variant is uncertain due to the absence of conclusive functional and genetic evidence.